The following is an entry in ClinVar:

ClinVar aggregate classification (germline): Uncertain significance. Review status: criteria provided, multiple submitters, no conflicts (2 of 4 stars). 3 submissions from 3 submitters: Uncertain significance (3). Last evaluated 2026-09-08.

Conditions:
Hereditary cancer-predisposing syndrome. Also called: Hereditary neoplastic syndrome; Neoplastic Syndromes, Hereditary; Tumor predisposition; Hereditary Cancer Syndrome. Identifiers: Orphanet 140162, MedGen C0027672, MeSH D009386, MONDO:0015356.
Familial adenomatous polyposis 1 (FAP1). Also called: FAMILIAL ADENOMATOUS POLYPOSIS 1, ATTENUATED; POLYPOSIS, ADENOMATOUS INTESTINAL. Identifiers: MedGen C2713442, MONDO:0021056, OMIM 175100. Disease mechanism: loss of function.

Submissions (3):

Ambry Genetics
Classification: Uncertain significance for Hereditary cancer-predisposing syndrome. Last evaluated: 2026-09-08. Review status: criteria provided, single submitter. Criteria: Ambry Variant Classification Scheme 2023. Collection method: clinical testing. Allele origin: germline.
Comment: The p.M891I variant (also known as c.2673G>A), located in coding exon 15 of the APC gene, results from a G to A substitution at nucleotide position 2673. The methionine at codon 891 is replaced by isoleucine, an amino acid with highly similar properties. This amino acid position is conserved. In addition, in silico predictors for this gene do not accurately predict pathogenicity. Based on the available evidence, the clinical significance of this variant remains unclear.

Color Diagnostics, LLC DBA Color Health
Classification: Uncertain significance for Hereditary cancer-predisposing syndrome. Last evaluated: 2025-07-09. Review status: criteria provided, single submitter. Criteria: ACMG Guidelines, 2015. Collection method: clinical testing. Allele origin: germline.
Comment: This missense variant replaces methionine with isoleucine at codon 891 of the APC protein. Computational prediction suggests that this variant may not impact protein structure and function. To our knowledge, functional studies have not been reported for this variant. This variant has not been reported in individuals affected with APC-related disorders in the literature. This variant has not been identified in the general population by the Genome Aggregation Database (gnomAD). The available evidence is insufficient to determine the role of this variant in disease conclusively. Therefore, this variant is classified as a Variant of Uncertain Significance.

Labcorp Genetics (formerly Invitae), Labcorp
Classification: Uncertain significance for Familial adenomatous polyposis 1. Last evaluated: 2022-04-01. Review status: criteria provided, single submitter. Criteria: Invitae Variant Classification Sherloc (09022015). Collection method: clinical testing. Allele origin: germline.
Comment: In summary, the available evidence is currently insufficient to determine the role of this variant in disease. Therefore, it has been classified as a Variant of Uncertain Significance. Algorithms developed to predict the effect of missense changes on protein structure and function output the following: SIFT: "Deleterious"; PolyPhen-2: "Benign"; Align-GVGD: "Class C0". The isoleucine amino acid residue is found in multiple mammalian species, which suggests that this missense change does not adversely affect protein function. This variant has not been reported in the literature in individuals affected with APC-related conditions. This variant is not present in population databases (gnomAD no frequency). This sequence change replaces methionine, which is neutral and non-polar, with isoleucine, which is neutral and non-polar, at codon 891 of the APC protein (p.Met891Ile).

NM_000038.6(APC):c.2673G>A (p.Met891Ile)

Gene: APC (APC regulator of Wnt signaling pathway; plus strand). Cytogenetic location: 5q22.2.
Variant type: single nucleotide variant.
Coding change: c.2673G>A on transcript NM_000038.6 (MANE Select); coding-DNA position 2673, G replaced by A.
Protein change: p.Met891Ile; replaces methionine 891 with isoleucine.
Molecular consequence: missense variant.
Genome position (GRCh38, 1-based): chr5:112,838,267, G>A. VCF-style: chr5-112838267-G-A. GRCh37 (hg19) VCF-style: chr5-112173964-G-A.
Other names: c.2673G>A (NM_000038.5); c.1824G>A, p.Met608Ile (NM_001354906.2, NM_001407470.1); c.2757G>A, p.Met919Ile (NM_001407446.1); c.2727G>A, p.Met909Ile (NM_001407447.1, NM_001407448.1, NM_001407449.1 and 1 more transcripts); c.2673G>A, p.Met891Ile (NM_001407450.1, NM_001127510.3, NM_001354895.2); c.2652G>A, p.Met884Ile (NM_001407451.1); c.2643G>A, p.Met881Ile (NM_001407452.1); c.2496G>A, p.Met832Ile (NM_001407453.1, NM_001354901.2); and 12 more; short protein forms M762I, M850I, M873I, M891I, M507I, M608I, M731I, M832I.
Identifiers: ClinVar variation 1925537 (VCV001925537.6), dbSNP rs2149874973, ClinGen allele CA16027165.
Genomic context (GRCh38, chr5:112,838,267, plus strand): 5'-AACTTCTTCAAAGCGAGGTTTGCAGATCTCCACCACTGCAGCCCAGATTGCCAAAGTCAT[G>A]GAAGAAGTGTCAGCCATTCATACCTCTCAGGAAGACAGAAGTTCTGGGTCTACCACTGAA-3'
Protein context (NP_000029.2, residues 881-901): STTAAQIAKV[Met891Ile]EEVSAIHTSQ